The following is an entry in ClinVar:

NM_014285.7(EXOSC2):c.659T>C (p.Ile220Thr)

Gene: EXOSC2 (exosome component 2; plus strand). Cytogenetic location: 9q34.12.
Variant type: single nucleotide variant.
Coding change: c.659T>C on transcript NM_014285.7 (MANE Select); coding-DNA position 659, T replaced by C.
Protein change: p.Ile220Thr; replaces isoleucine 220 with threonine.
Molecular consequence: missense variant. On other transcripts: non-coding transcript variant (1).
Genome position (GRCh38, 1-based): chr9:130,702,297, T>C. VCF-style: chr9-130702297-T-C. GRCh37 (hg19) VCF-style: chr9-133577684-T-C.
Other names: c.581T>C, p.Ile194Thr (NM_001282708.1); c.569T>C, p.Ile190Thr (NM_001282709.1); short protein forms I220T, I190T, I194T.
Identifiers: ClinVar variation 941471 (VCV000941471.8), dbSNP rs574696778, ClinGen allele CA5284934.
Genomic context (GRCh38, chr9:130,702,297, plus strand): 5'-ACGGCTTCATCTGGATTTACCCAACACCTGAGCACAAAGAAGAGGAAGCAGGGGGCTTCA[T>C]TGCAAACCTGGAGGTGAGCAAACACTGTGGCCATTTTCAGTGGGATGGAGGGGGCTCAGT-3'
Protein context (NP_055100.2, residues 210-230): EHKEEEAGGF[Ile220Thr]ANLEPVSLAD

ClinVar aggregate classification (germline): Uncertain significance (1 of 4 stars; one submission).

Allele frequency attached by ClinVar (database versions not stated): ExAC 0.00001; gnomAD 0.00001; gnomAD exomes 0.00001; 1000 Genomes Project 30x 0.00016; 1000 Genomes Project 0.00020.

Submission:

Labcorp Genetics (formerly Invitae), Labcorp
Classification: Uncertain significance. Last evaluated: 2019-09-14. Review status: criteria provided, single submitter. Criteria: Invitae Variant Classification Sherloc (09022015). Collection method: clinical testing. Allele origin: germline.
Comment: In summary, the available evidence is currently insufficient to determine the role of this variant in disease. Therefore, it has been classified as a Variant of Uncertain Significance. Algorithms developed to predict the effect of missense changes on protein structure and function output the following: SIFT: "Tolerated"; PolyPhen-2: "Benign"; Align-GVGD: "Class C0". The threonine amino acid residue is found in multiple mammalian species, suggesting that this missense change does not adversely affect protein function. These predictions have not been confirmed by published functional studies and their clinical significance is uncertain. This variant has not been reported in the literature in individuals with EXOSC2-related conditions. This variant is present in population databases (rs574696778, ExAC 0.002%). This sequence change replaces isoleucine with threonine at codon 220 of the EXOSC2 protein (p.Ile220Thr). The isoleucine residue is weakly conserved and there is a moderate physicochemical difference between isoleucine and threonine.